The following is an entry in ClinVar:

ClinVar aggregate classification (germline): Uncertain significance. Review status: criteria provided, multiple submitters, no conflicts (2 of 4 stars). 7 submissions from 7 submitters: Uncertain significance (6). 1 of the submissions does not count toward it. Last evaluated 2025-06-13.

Conditions:
Arginine:glycine amidinotransferase deficiency (CCDS3). Also called: AGAT deficiency; L-Arginine:Glycine Amidinotransferase Deficiency; L-Arginine:Glycine Amidinotransferase (AGAT) Deficiency; Creatine deficiency syndrome due to AGAT deficiency; GATM deficiency; Cerebral creatine deficiency syndrome 3. Identifiers: Orphanet 35704, MedGen C2675179, MONDO:0012996, OMIM 612718.
Fanconi renotubular syndrome 1. Also called: Toni-Debre-Fanconi syndrome; Neonatal De Toni-Debre-Fanconi syndrome; De Toni-Fanconi syndrome; FRTS1; LUDER-SHELDON SYNDROME. Identifiers: MedGen C4551503, MONDO:0024525, OMIM 134600.
Inborn genetic diseases. Identifiers: MedGen C0950123, MeSH D030342.

Allele frequency attached by ClinVar (database versions not stated): gnomAD 0.00001; TOPMed below 0.00001.
gnomAD v4.1: 2 of 1,613,962 alleles (0.00012%); highest among the groups gnomAD compares: Admixed American, 0.0017%; no homozygotes.

Submissions (7):

MVZ Medizinische Genetik Mainz
Classification: Uncertain significance for Fanconi renotubular syndrome 1. Last evaluated: 2025-06-13. Review status: criteria provided, single submitter. Criteria: UK Practice Guidelines For Variant Classification V4 01 2020. Collection method: clinical testing. Allele origin: germline. Inheritance: Autosomal dominant inheritance. Affected: yes. Observed: 1 variant allele.
Comment: ACMG Criteria: PM1_SUP, PM2_SUP, PP3, PP4

3billion
Classification: Uncertain significance for Fanconi renotubular syndrome 1. Last evaluated: 2024-07-17. Review status: criteria provided, single submitter. Criteria: ACMG Guidelines, 2015. Collection method: clinical testing. Allele origin: germline. Affected: yes.
Comment: The variant is observed at an extremely low frequency in the gnomAD v4.0.0 dataset (total allele frequency: 0.001%). Predicted Consequence/Location: Missense variant In silico tool predictions suggest damaging effect of the variant on gene or gene product [REVEL: 0.73 (>=0.6, sensitivity 0.68 and specificity 0.92); 3Cnet: 0.95 (>=0.6, sensitivity 0.72 and precision 0.9)]. The variant has been reported as of uncertain significance (ClinVar ID: VCV000985416). Therefore, this variant is classified as VUS according to the recommendation of ACMG/AMP guideline.

Fulgent Genetics
Classification: Uncertain significance for Fanconi renotubular syndrome 1; Arginine:glycine amidinotransferase deficiency. Last evaluated: 2021-07-19. Review status: criteria provided, single submitter. Criteria: ACMG Guidelines, 2015. Collection method: clinical testing. Allele origin: unknown.

GeneDx
Classification: Uncertain significance. Last evaluated: 2019-04-09. Review status: criteria provided, single submitter. Criteria: GeneDx Variant Classification Process June 2021. Collection method: clinical testing. Allele origin: germline. Affected: yes.
Comment: Not observed in large population cohorts (Lek et al., 2016); In silico analysis, which includes protein predictors and evolutionary conservation, supports a deleterious effect; Has not been previously published as pathogenic or benign to our knowledge

Ambry Genetics
Classification: Uncertain significance for Inborn genetic diseases. Last evaluated: 2018-09-11. Review status: criteria provided, single submitter. Criteria: Ambry exome assertion method (8-5-2015). Collection method: clinical testing. Allele origin: germline. Affected: yes. Observed: 1 variant allele.

Neuberg Centre For Genomic Medicine, NCGM
Classification: Uncertain significance for Fanconi renotubular syndrome 1. Review status: criteria provided, single submitter. Criteria: ACMG Guidelines, 2015. Collection method: clinical testing. Allele origin: germline. Inheritance: Autosomal dominant inheritance. Affected: yes.
Comment: The c.911T>C (p.Ile304Thr) missense variant in GATM gene has been submitted to ClinVar as a Variant of Uncertain Significance, but no details are available for independent assessment. It has not been reported in affected individuals. The p.Ile304Thr variant is novel (not in any individuals) in gnomAD Exomes and 1000 Genomes. The amino acid Ile at position 304 is changed to a Thr changing protein sequence and it might alter its composition and physico-chemical properties. The amino acid change p.Ile304Thr in GATM is predicted as conserved by GERP++ and PhyloP across 100 vertebrates. For these reasons, this variant has been classified as Variant of Uncertain Significance (VUS).

Institute of Metabolism and Integrative Biology, Fudan University
Classification: Likely pathogenic for Fanconi renotubular syndrome 1. Review status: no assertion criteria provided. Collection method: clinical testing. Allele origin: de novo. Inheritance: Autosomal dominant inheritance. Affected: yes. Observed: 1 heterozygote. Not counted in ClinVar's aggregate classification.
Comment: This variant has not been reported in the literature or in the large-scale population frequency database, gnomAD. Based on the available evidence, this variant is defined as a likely pathogenic variant.

Literature cited by the submitters: DOI 10.1016/j.cca.2024.119812 (cited by Institute of Metabolism and Integrative Biology, Fudan University).

NM_001482.3(GATM):c.911T>C (p.Ile304Thr)

Gene: GATM (glycine amidinotransferase; minus strand). Cytogenetic location: 15q21.1.
Variant type: single nucleotide variant.
Coding change: c.911T>C on transcript NM_001482.3 (MANE Select); coding-DNA position 911, T replaced by C.
Protein change: p.Ile304Thr; replaces isoleucine 304 with threonine.
Molecular consequence: missense variant.
Genome position (GRCh38, 1-based): chr15:45,366,113, A>G on the plus strand (T>C on the coding strand, the complement: GATM is on the minus strand). VCF-style: chr15-45366113-A-G. GRCh37 (hg19) VCF-style: chr15-45658311-A-G.
Other names: c.524T>C, p.Ile175Thr (NM_001321015.2); short protein forms I175T, I304T.
Identifiers: ClinVar variation 985416 (VCV000985416.9), dbSNP rs1334969328, ClinGen allele CA392257719.